The following is an entry in ClinVar:

NM_001178015.2(SLC4A10):c.1619G>A (p.Ser540Asn)

Gene: SLC4A10 (solute carrier family 4 member 10; plus strand). Cytogenetic location: 2q24.2.
Variant type: single nucleotide variant.
Coding change: c.1619G>A on transcript NM_001178015.2 (MANE Select); coding-DNA position 1619, G replaced by A.
Protein change: p.Ser540Asn; replaces serine 540 with asparagine.
Molecular consequence: missense variant.
Genome position (GRCh38, 1-based): chr2:161,904,777, G>A. VCF-style: chr2-161904777-G-A. GRCh37 (hg19) VCF-style: chr2-162761287-G-A.
Other names: c.1562G>A, p.Ser521Asn (NM_001178016.2, NM_001354445.2); c.1619G>A, p.Ser540Asn (NM_001354440.2); c.1652G>A, p.Ser551Asn (NM_001354441.2, NM_001354442.2); c.1565G>A, p.Ser522Asn (NM_001354443.2, NM_001354447.2); c.1616G>A, p.Ser539Asn (NM_001354444.2); c.1529G>A, p.Ser510Asn (NM_001354446.2, NM_001354450.2, NM_022058.4); c.1559G>A, p.Ser520Asn (NM_001354448.2); c.1526G>A, p.Ser509Asn (NM_001354449.2, NM_001354451.2); and 3 more; short protein forms S317N, S461N, S509N, S510N, S520N, S521N, S522N, S539N.
Identifiers: ClinVar variation 2574730 (VCV002574730.1), dbSNP rs2470633684, ClinGen allele CA348979945.
Genomic context (GRCh38, chr2:161,904,777, plus strand): 5'-TTAGCTACAATGGCCTCCTGTACAGCTTAGGTAATTGAACCATTTATATCTCTACACAGA[G>A]TGCAATTGAATCTCTCTTTGGAGCATCCATGACCGGGATAGCCTATTCTCTCTTTGGTGG-3'
Protein context (NP_001171486.1, residues 530-550): LLGEATEGRI[Ser540Asn]AIESLFGASM

ClinVar aggregate classification (germline): Uncertain significance (1 of 4 stars; one submission).

Submission:

GeneDx
Classification: Uncertain significance. Last evaluated: 2022-03-14. Review status: criteria provided, single submitter. Criteria: GeneDx Variant Classification Process June 2021. Collection method: clinical testing. Allele origin: germline. Affected: yes.
Comment: Not observed at significant frequency in large population cohorts (gnomAD); In silico analysis supports that this missense variant does not alter protein structure/function; Has not been previously published as pathogenic or benign to our knowledge; Variants in candidate genes are classified as variants of uncertain significance in accordance with ACMG guidelines (Richards et al., 2015)